The following is an entry in ClinVar:

ClinVar aggregate classification (germline): Uncertain significance (1 of 4 stars; one submission).

Submission:

Labcorp Genetics (formerly Invitae), Labcorp
Classification: Uncertain significance. Last evaluated: 2025-05-03. Review status: criteria provided, single submitter. Criteria: Invitae Variant Classification Sherloc (09022015). Collection method: clinical testing. Allele origin: germline.
Comment: This sequence change replaces cysteine, which is neutral and slightly polar, with serine, which is neutral and polar, at codon 316 of the TOP2B protein (p.Cys316Ser). This variant is not present in population databases (gnomAD no frequency). This variant has not been reported in the literature in individuals affected with TOP2B-related conditions. An algorithm developed to predict the effect of missense changes on protein structure and function (PolyPhen-2) suggests that this variant is likely to be tolerated. In summary, the available evidence is currently insufficient to determine the role of this variant in disease. Therefore, it has been classified as a Variant of Uncertain Significance.

NM_001330700.2(TOP2B):c.961T>A (p.Cys321Ser)

Gene: TOP2B (DNA topoisomerase II beta; minus strand). Cytogenetic location: 3p24.2.
Variant type: single nucleotide variant.
Coding change: c.961T>A on transcript NM_001330700.2 (MANE Select); coding-DNA position 961, T replaced by A.
Protein change: p.Cys321Ser; replaces cysteine 321 with serine.
Molecular consequence: missense variant.
Genome position (GRCh38, 1-based): chr3:25,633,906, A>T on the plus strand (T>A on the coding strand, the complement: TOP2B is on the minus strand). VCF-style: chr3-25633906-A-T. GRCh37 (hg19) VCF-style: chr3-25675397-A-T.
Other names: c.946T>A, p.Cys316Ser (NM_001068.3); short protein forms C316S, C321S.
Identifiers: ClinVar variation 4692471 (VCV004692471.1).
Genomic context (GRCh38, chr3:25,633,906, plus strand): 5'-TAGTTGCAATACTATTTACAAAGCTGATTTGCTGGAATCCTTTTTCACTCAATGTGAGAC[A>T]AACATCCCATCTTTCATTTGCAAGCTCATGAATAACTTTCAGGGCCACCCCAGTTTCATC-3'
Protein context (NP_001317629.1, residues 311-331): HELANERWDV[Cys321Ser]LTLSEKGFQQ